The following is an entry in ClinVar:

ClinVar aggregate classification (germline): Uncertain significance (1 of 4 stars; one submission).

Conditions:
BAP1-related tumor predisposition syndrome (TPDS1). Also called: Tumor susceptibility linked to germline BAP1 mutations; BAP1 tumor predisposition syndrome; COMMON Syndrome; TUMOR PREDISPOSITION SYNDROME 1. Identifiers: Orphanet 289539, MedGen C3280492, MONDO:0013692, OMIM 614327.

Submission:

Labcorp Genetics (formerly Invitae), Labcorp
Classification: Uncertain significance for BAP1-related tumor predisposition syndrome. Last evaluated: 2023-01-06. Review status: criteria provided, single submitter. Criteria: Invitae Variant Classification Sherloc (09022015). Collection method: clinical testing. Allele origin: germline.
Comment: In summary, the available evidence is currently insufficient to determine the role of this variant in disease. Therefore, it has been classified as a Variant of Uncertain Significance. Advanced modeling of protein sequence and biophysical properties (such as structural, functional, and spatial information, amino acid conservation, physicochemical variation, residue mobility, and thermodynamic stability) performed at Invitae indicates that this missense variant is expected to disrupt BAP1 protein function. This variant has not been reported in the literature in individuals affected with BAP1-related conditions. This variant is not present in population databases (gnomAD no frequency). This sequence change replaces arginine, which is basic and polar, with leucine, which is neutral and non-polar, at codon 720 of the BAP1 protein (p.Arg720Leu).

NM_004656.4(BAP1):c.2159G>T (p.Arg720Leu)

Gene: BAP1 (BRCA1 associated deubiquitinase 1; minus strand). Cytogenetic location: 3p21.1.
Variant type: single nucleotide variant.
Coding change: c.2159G>T on transcript NM_004656.4 (MANE Select); coding-DNA position 2159, G replaced by T.
Protein change: p.Arg720Leu; replaces arginine 720 with leucine.
Molecular consequence: missense variant.
Genome position (GRCh38, 1-based): chr3:52,402,319, C>A on the plus strand (G>T on the coding strand, the complement: BAP1 is on the minus strand). VCF-style: chr3-52402319-C-A. GRCh37 (hg19) VCF-style: chr3-52436335-C-A.
Other names: c.2105G>T, p.Arg702Leu (NM_001410772.1); short protein forms R702L, R720L.
Identifiers: ClinVar variation 2826602 (VCV002826602.3), dbSNP rs776746400, ClinGen allele CA353094046.